The following is an entry in ClinVar:

ClinVar aggregate classification (germline): Uncertain significance (1 of 4 stars; one submission).

Conditions:
Primary ciliary dyskinesia. Also called: Ciliary dyskinesia. Identifiers: Orphanet 244, MedGen C0008780, MONDO:0016575, HP:0012265.

Allele frequency attached by ClinVar (database versions not stated): TOPMed 0.00002; ExAC 0.00003; gnomAD 0.00003; gnomAD exomes 0.00003.
gnomAD v4.1: 40 of 1,606,472 alleles (0.0025%); highest among the groups gnomAD compares: Non-Finnish European, 0.0034%; no homozygotes.

Submission:

Labcorp Genetics (formerly Invitae), Labcorp
Classification: Uncertain significance for Primary ciliary dyskinesia. Last evaluated: 2023-08-10. Review status: criteria provided, single submitter. Criteria: Invitae Variant Classification Sherloc (09022015). Collection method: clinical testing. Allele origin: germline.
Comment: This sequence change replaces glutamic acid, which is acidic and polar, with aspartic acid, which is acidic and polar, at codon 1268 of the DNAH8 protein (p.Glu1268Asp). This variant is present in population databases (rs773699478, gnomAD 0.006%). This variant has not been reported in the literature in individuals affected with DNAH8-related conditions. ClinVar contains an entry for this variant (Variation ID: 650931). Experimental studies and prediction algorithms are not available or were not evaluated, and the functional significance of this variant is currently unknown. In summary, the available evidence is currently insufficient to determine the role of this variant in disease. Therefore, it has been classified as a Variant of Uncertain Significance.

NM_001206927.2(DNAH8):c.3804G>T (p.Glu1268Asp)

Gene: DNAH8 (dynein axonemal heavy chain 8; plus strand). Cytogenetic location: 6p21.2.
Variant type: single nucleotide variant.
Coding change: c.3804G>T on transcript NM_001206927.2 (MANE Select); coding-DNA position 3804, G replaced by T.
Protein change: p.Glu1268Asp; replaces glutamic acid 1268 with aspartic acid.
Molecular consequence: missense variant.
Genome position (GRCh38, 1-based): chr6:38,823,645, G>T. VCF-style: chr6-38823645-G-T. GRCh37 (hg19) VCF-style: chr6-38791421-G-T.
Other names: c.3153G>T, p.Glu1051Asp (NM_001371.4); short protein forms E1051D, E1268D.
Identifiers: ClinVar variation 650931 (VCV000650931.8), dbSNP rs773699478, ClinGen allele CA3788938.